The following is an entry in ClinVar:

NM_002880.4(RAF1):c.1162C>G (p.Gln388Glu)

Gene: RAF1 (Raf-1 proto-oncogene, serine/threonine kinase; minus strand). Cytogenetic location: 3p25.2.
Variant type: single nucleotide variant.
Coding change: c.1162C>G on transcript NM_002880.4 (MANE Select); coding-DNA position 1162, C replaced by G.
Protein change: p.Gln388Glu; replaces glutamine 388 with glutamic acid.
Molecular consequence: missense variant. On other transcripts: non-coding transcript variant (3).
Genome position (GRCh38, 1-based): chr3:12,591,739, G>C on the plus strand (C>G on the coding strand, the complement: RAF1 is on the minus strand). VCF-style: chr3-12591739-G-C. GRCh37 (hg19) VCF-style: chr3-12633238-G-C.
Other names: c.1222C>G, p.Gln408Glu (NM_001354689.3); c.1162C>G, p.Gln388Glu (NM_001354690.3); c.919C>G, p.Gln307Glu (NM_001354691.3, NM_001354692.3); c.1063C>G, p.Gln355Glu (NM_001354693.3); c.979C>G, p.Gln327Glu (NM_001354694.3); c.820C>G, p.Gln274Glu (NM_001354695.3); short protein forms Q307E, Q327E, Q274E, Q388E, Q355E, Q408E.
Identifiers: ClinVar variation 3429937 (VCV003429937.1).

ClinVar aggregate classification (germline): Uncertain significance (1 of 4 stars; one submission).

Conditions:
Cardiovascular phenotype. Identifiers: MedGen CN230736.

Submission:

Ambry Genetics
Classification: Uncertain significance for Cardiovascular phenotype. Last evaluated: 2024-08-23. Review status: criteria provided, single submitter. Criteria: Ambry Variant Classification Scheme 2023. Collection method: clinical testing. Allele origin: germline.
Comment: The p.Q388E variant (also known as c.1162C>G), located in coding exon 10 of the RAF1 gene, results from a C to G substitution at nucleotide position 1162. The glutamine at codon 388 is replaced by glutamic acid, an amino acid with highly similar properties. This amino acid position is conserved. In addition, the in silico prediction for this alteration is inconclusive. Based on the available evidence, the clinical significance of this variant remains unclear.